The following is an entry in ClinVar:

ClinVar aggregate classification (germline): Likely pathogenic. Review status: reviewed by expert panel (3 of 4 stars). 6 submissions from 6 submitters: Likely pathogenic (1). 5 of the submissions do not count toward it. Last evaluated 2024-01-02.

Conditions:
Monogenic diabetes. Identifiers: Orphanet 183625, MedGen C3888631, MONDO:0015967.
Fanconi renotubular syndrome 4 with maturity-onset diabetes of the young (FRTS4). Also called: FRTS4 WITH MODY. Identifiers: Orphanet 93111, MedGen C4014962, MONDO:0014458, OMIM 616026.
Maturity-onset diabetes of the young (MODY). Also called: Maturity onset diabetes mellitus in young. Identifiers: Orphanet 552, MedGen C0342276, MONDO:0018911, HP:0004904.

Allele frequency attached by ClinVar (database versions not stated): gnomAD exomes below 0.00001.

Submissions (6):

ClinGen Monogenic Diabetes Variant Curation Expert Panel
Classification: Likely pathogenic for Monogenic diabetes. Last evaluated: 2024-01-02. Review status: reviewed by expert panel. Criteria: ClinGen Diabetes ACMG Specifications HNF4A V2.0.0. Collection method: curation. Allele origin: germline. Inheritance: Autosomal dominant inheritance.
Comment: The c.2T>C variant in the hepatic nuclear factor-alpha gene, HNF4A, results in the loss of the initiation codon (p.Met1?) of NM_175914.5. By altering the start codon of the coding sequence, this variant may cause a truncated or absent protein in a gene in which loss-of-function is an established disease mechanism (PVS1_Strong; PMID: 23348805). This variant is only present in one copy in the Latino/Admixed American subpopulation in gnomAD v2.1.1 and therefore a Popmax FAF is unavailable. Still, the variant meets the ClinGen MDEP threshold for PM2_Supporting (gnomAD 2.1.1 Popmax FAF <= 1:333,000 (<= 0.000003 or 0.0003%) in gnomAD European Non-Finnish population AND <= 2 copies observed in ENF AND <= 1 copy in any other founder or non-founder population) (PM2_Supporting). This variant was identified in four unrelated individuals with non-autoimmune or absolute/near-absolute insulin-deficient diabetes (PS4_Moderate; internal lab contributors). In summary, c.2T>C meets the criteria to be classified as likely pathogenic for monogenic diabetes. ACMG/AMP criteria applied, as specified by the ClinGen MDEP (specification version 2.0.0, approved 10/11/2023): PVS1_Strong, PS4_Moderate, PM2_Supporting.

Genetic Services Laboratory, University of Chicago
Classification: Likely pathogenic. Last evaluated: 2024-07-03. Review status: criteria provided, single submitter. Criteria: ACMG Guidelines, 2015. Collection method: clinical testing. Allele origin: germline. Affected: yes. Not counted in ClinVar's aggregate classification.
Comment: DNA sequence analysis of the HNF4A gene demonstrated a sequence change, c.2T>C, in exon 1. This sequence change affects the initiator methionine of the HNF4A mRNA, p.Met1?. This sequence change has been previously described in an individual with MODY (PMID 34930662). Additionally, other sequence changes that disrupt the initiator codon have been described in several individuals with MODY (PMID: 21683639, 30977832). This particular sequence change has been described in the gnomAD database in one individual (dbSNP rs1229650809). Due to the fact that it is a start loss variant in a gene where loss of function is a mechanism of disease, the fact that start loss variants in this gene have been described in patients with MODY and the fact that it is very rare in the population databases, this sequence change is classified as likely pathogenic.

Labcorp Genetics (formerly Invitae), Labcorp
Classification: Pathogenic. Last evaluated: 2023-10-27. Review status: criteria provided, single submitter. Criteria: Invitae Variant Classification Sherloc (09022015). Collection method: clinical testing. Allele origin: germline. Not counted in ClinVar's aggregate classification.
Comment: This sequence change affects the initiator methionine of the HNF4A mRNA. The next in-frame methionine is located at codon 71. This variant is present in population databases (no rsID available, gnomAD 0.003%). Disruption of the initiator codon has been observed in individual(s) with maturity-onset diabetes of the young (PMID: 21683639, 30977832). ClinVar contains an entry for this variant (Variation ID: 689636). This variant disrupts a region of the HNF4A protein in which other variant(s) (p.Arg63Trp) have been determined to be pathogenic (PMID: 20164212, 25819479, 28458902, 31875549). This suggests that this is a clinically significant region of the protein, and that variants that disrupt it are likely to be disease-causing. For these reasons, this variant has been classified as Pathogenic.

GeneDx
Classification: Uncertain significance. Last evaluated: 2019-10-02. Review status: criteria provided, single submitter. Criteria: GeneDx Variant Classification Process June 2021. Collection method: clinical testing. Allele origin: germline. Affected: yes. Not counted in ClinVar's aggregate classification.
Comment: Has not been previously published as pathogenic or benign to our knowledge

HudsonAlpha Institute for Biotechnology
Classification: Uncertain significance for Fanconi renotubular syndrome 4 with maturity-onset diabetes of the young. Last evaluated: 2019-07-01. Review status: criteria provided, single submitter. Criteria: ACMG Guidelines, 2015. Collection method: research. Allele origin: unknown. Observed: 1 variant allele. Study: CSER-SouthSeq. Not counted in ClinVar's aggregate classification.
Comment: ACMG codes: PVS1

Clinical Genomics, Uppaluri K&H Personalized Medicine Clinic
Classification: Uncertain risk allele for Maturity-onset diabetes of the young. Review status: criteria provided, single submitter. Criteria: K & H Uppaluri Personalized Medicine Clinic Variant Classification & Assertion Criteria_Updated V.1. Collection method: research. Allele origin: unknown. Inheritance: Autosomal dominant inheritance. Not counted in ClinVar's aggregate classification.
Comment: Potent mutations in HNF4A are associated with poor insulin secretion in response to hyperglycemia. Associated with MODY1. Patients initially respond well to sulfonylureas but eventually become insulin dependent. However, more evidence is required to ascertain the role of this particular variant rs1229650809 in MODY, yet.

Literature cited by the submitters: PubMed 21683639 (cited by Labcorp Genetics (formerly Invitae), Labcorp); PubMed 30977832 (cited by Labcorp Genetics (formerly Invitae), Labcorp); PubMed 20164212 (cited by Labcorp Genetics (formerly Invitae), Labcorp); PubMed 25819479 (cited by Labcorp Genetics (formerly Invitae), Labcorp); PubMed 28458902 (cited by Labcorp Genetics (formerly Invitae), Labcorp); PubMed 31875549 (cited by Labcorp Genetics (formerly Invitae), Labcorp); DOI 10.1159/000334532 (cited by Clinical Genomics, Uppaluri K&H Personalized Medicine Clinic); PubMed 18268044 (cited by Clinical Genomics, Uppaluri K&H Personalized Medicine Clinic); PubMed 17563455 (cited by Clinical Genomics, Uppaluri K&H Personalized Medicine Clinic); PubMed 32583173 (cited by Clinical Genomics, Uppaluri K&H Personalized Medicine Clinic); PubMed 35052457 (cited by Clinical Genomics, Uppaluri K&H Personalized Medicine Clinic); PubMed 35118593 (cited by Clinical Genomics, Uppaluri K&H Personalized Medicine Clinic).

NM_175914.5(HNF4A):c.2T>C (p.Met1Thr)

Gene: HNF4A (hepatocyte nuclear factor 4 alpha; plus strand). Cytogenetic location: 20q13.12.
Variant type: single nucleotide variant.
Coding change: c.2T>C on transcript NM_175914.5 (MANE Select); coding-DNA position 2, T replaced by C.
Protein change: p.Met1Thr; changes the start codon (methionine 1).
Molecular consequence: missense variant, initiator codon variant. On other transcripts: 5 prime UTR variant (3).
Genome position (GRCh38, 1-based): chr20:44,355,806, T>C. VCF-style: chr20-44355806-T-C. GRCh37 (hg19) VCF-style: chr20-42984446-T-C.
Other names: NM_175914.5(HNF4A):c.2T>C; p.Met1Thr; c.2T>C, p.Met1Thr (NM_001030003.3, NM_001030004.3); c.-230T>C (NM_001287182.2, NM_001287183.2, NM_001287184.2); c.2T>C (NM_175914.3); short protein forms M1T.
Identifiers: ClinVar variation 689636 (VCV000689636.15), dbSNP rs1229650809, ClinGen allele CA409109840.